The following is an entry in ClinVar:

ClinVar aggregate classification (germline): Uncertain significance (1 of 4 stars; one submission).

Conditions:
Hereditary cancer-predisposing syndrome. Also called: Neoplastic Syndromes, Hereditary; Tumor predisposition; Hereditary Cancer Syndrome; Hereditary neoplastic syndrome. Identifiers: Orphanet 140162, MedGen C0027672, MeSH D009386, MONDO:0015356.

Submission:

Ambry Genetics
Classification: Uncertain significance for Hereditary cancer-predisposing syndrome. Last evaluated: 2022-02-12. Review status: criteria provided, single submitter. Criteria: Ambry Variant Classification Scheme 2023. Collection method: clinical testing. Allele origin: germline.
Comment: The p.P2489T variant (also known as c.7465C>A), located in coding exon 15 of the APC gene, results from a C to A substitution at nucleotide position 7465. The proline at codon 2489 is replaced by threonine, an amino acid with highly similar properties. This amino acid position is conserved. In addition, in silico predictors for this gene do not accurately predict pathogenicity. Since supporting evidence is limited at this time, the clinical significance of this alteration remains unclear.

NM_000038.6(APC):c.7465C>A (p.Pro2489Thr)

Gene: APC (APC regulator of Wnt signaling pathway; plus strand). Cytogenetic location: 5q22.2.
Variant type: single nucleotide variant.
Coding change: c.7465C>A on transcript NM_000038.6 (MANE Select); coding-DNA position 7465, C replaced by A.
Protein change: p.Pro2489Thr; replaces proline 2489 with threonine.
Molecular consequence: missense variant.
Genome position (GRCh38, 1-based): chr5:112,843,059, C>A. VCF-style: chr5-112843059-C-A. GRCh37 (hg19) VCF-style: chr5-112178756-C-A.
Other names: c.7465C>A, p.Pro2489Thr (NM_001127510.3, NM_001354895.2, NM_001407450.1); c.7411C>A, p.Pro2471Thr (NM_001127511.3); c.7519C>A, p.Pro2507Thr (NM_001354896.2, NM_001407447.1, NM_001407448.1 and 1 more transcripts); c.7495C>A, p.Pro2499Thr (NM_001354897.2); c.7390C>A, p.Pro2464Thr (NM_001354898.2); c.7381C>A, p.Pro2461Thr (NM_001354899.2); c.7342C>A, p.Pro2448Thr (NM_001354900.2); c.7288C>A, p.Pro2430Thr (NM_001354901.2, NM_001407453.1); and 11 more; short protein forms P2206T, P2329T, P2105T, P2448T, P2464T, P2479T, P2499T, P2398T.
Identifiers: ClinVar variation 1759033 (VCV001759033.2), dbSNP rs1554088378, ClinGen allele CA16037571.